The following is an entry in ClinVar:

ClinVar aggregate classification (germline): Uncertain significance (1 of 4 stars; one submission).

Conditions:
Inborn genetic diseases. Identifiers: MedGen C0950123, MeSH D030342.

Submission:

Ambry Genetics
Classification: Uncertain significance for Inborn genetic diseases. Last evaluated: 2025-10-09. Review status: criteria provided, single submitter. Criteria: Ambry Variant Classification Scheme 2023. Collection method: clinical testing. Allele origin: germline.
Comment: The p.L577F variant (also known as c.1731G>T), located in coding exon 12 of the BMPR2 gene, results from a G to T substitution at nucleotide position 1731. The leucine at codon 577 is replaced by phenylalanine, an amino acid with highly similar properties. This amino acid position is conserved. In addition, the in silico prediction for this alteration is inconclusive. Based on the available evidence, the clinical significance of this variant remains unclear.

NM_001204.7(BMPR2):c.1731G>T (p.Leu577Phe)

Gene: BMPR2 (bone morphogenetic protein receptor type 2; plus strand). Cytogenetic location: 2q33.2.
Variant type: single nucleotide variant.
Coding change: c.1731G>T on transcript NM_001204.7 (MANE Select); coding-DNA position 1731, G replaced by T.
Protein change: p.Leu577Phe; replaces leucine 577 with phenylalanine.
Molecular consequence: missense variant.
Genome position (GRCh38, 1-based): chr2:202,555,396, G>T. VCF-style: chr2-202555396-G-T. GRCh37 (hg19) VCF-style: chr2-203420119-G-T.
Other names: short protein forms L577F.
Identifiers: ClinVar variation 4597230 (VCV004597230.1).
Genomic context (GRCh38, chr2:202,555,396, plus strand): 5'-TCATACTGACAGCATCGTGAAGAATATTTCCTCTGAGCATTCTATGTCCAGCACACCTTT[G>T]ACTATAGGGGAAAAAAACCGAAATTCAATTAACTATGAACGACAGCAAGCACAAGCTCGA-3'
Protein context (NP_001195.2, residues 567-587): SSEHSMSSTP[Leu577Phe]TIGEKNRNSI